The following is an entry in ClinVar:

NM_000393.5(COL5A2):c.1455+6del

Gene: COL5A2 (collagen type V alpha 2 chain; minus strand). Cytogenetic location: 2q32.2.
Variant type: Deletion.
Coding change: c.1455+6del on transcript NM_000393.5 (MANE Select); 6 bases into the intron after coding-DNA position 1455, one base deleted (G; older notation c.1455+6delG).
Molecular consequence: intron variant.
Genome position (GRCh38, 1-based): chr2:189,066,723, C deleted on the plus strand (G on the coding strand, the reverse complement: COL5A2 is on the minus strand); the first of 2 consecutive C bases (chr2:189,066,723-189,066,724); deleting either gives the same sequence. VCF-style (leftmost placement, unchanged base first): chr2-189066722-AC-A. GRCh37 (hg19) VCF-style: chr2-189931448-AC-A.
Other names: c.1455+6delG (NM_000393.3).
Identifiers: ClinVar variation 420378 (VCV000420378.4), dbSNP rs763475800, ClinGen allele CA2022706.

ClinVar aggregate classification (germline): Conflicting classifications of pathogenicity. Review status: criteria provided, conflicting classifications (1 of 4 stars). 2 submissions from 2 submitters: Uncertain significance (1); Likely benign (1). Last evaluated 2024-09-21.

Conditions:
Ehlers-Danlos syndrome, classic type, 1 (EDSCL1). Also called: EHLERS-DANLOS SYNDROME, GRAVIS TYPE; EHLERS-DANLOS SYNDROME, SEVERE CLASSIC TYPE; Ehlers-Danlos Syndrome, Classic Type, COL5A1-Related; EDS I; Ehlers-Danlos syndrome, type 1. Identifiers: MedGen C0268335, MONDO:0019567, OMIM 130000.

Submissions (2):

Labcorp Genetics (formerly Invitae), Labcorp
Classification: Uncertain significance for Ehlers-Danlos syndrome, classic type, 1. Last evaluated: 2024-09-21. Review status: criteria provided, single submitter. Criteria: Invitae Variant Classification Sherloc (09022015). Collection method: clinical testing. Allele origin: germline.
Comment: This sequence change falls in intron 22 of the COL5A2 gene. It does not directly change the encoded amino acid sequence of the COL5A2 protein. It affects a nucleotide within the consensus splice site. This variant is present in population databases (rs763475800, gnomAD 0.0009%). This variant has not been reported in the literature in individuals affected with COL5A2-related conditions. ClinVar contains an entry for this variant (Variation ID: 420378). Variants that disrupt the consensus splice site are a relatively common cause of aberrant splicing (PMID: 17576681, 9536098). Algorithms developed to predict the effect of sequence changes on RNA splicing suggest that this variant is not likely to affect RNA splicing. In summary, the available evidence is currently insufficient to determine the role of this variant in disease. Therefore, it has been classified as a Variant of Uncertain Significance.

GeneDx
Classification: Likely benign. Last evaluated: 2016-01-20. Review status: criteria provided, single submitter. Criteria: GeneDx Variant Classification (06012015). Collection method: clinical testing. Allele origin: germline. Affected: yes.
Comment: This variant is considered likely benign or benign based on one or more of the following criteria: it is a conservative change, it occurs at a poorly conserved position in the protein, it is predicted to be benign by multiple in silico algorithms, and/or has population frequency not consistent with disease.

Literature cited by the submitters: PubMed 17576681 (cited by Labcorp Genetics (formerly Invitae), Labcorp); PubMed 9536098 (cited by Labcorp Genetics (formerly Invitae), Labcorp).